The following is an entry in ClinVar:

ClinVar aggregate classification (germline): Likely benign (1 of 4 stars; one submission).

Allele frequency attached by ClinVar (database versions not stated): TOPMed below 0.00001; gnomAD 0.00001.
gnomAD v4.1: 2 of 1,608,372 alleles (0.00012%); highest among the groups gnomAD compares: Non-Finnish European, 0.00017%; no homozygotes.

Submission:

Women's Health and Genetics/Laboratory Corporation of America, LabCorp
Classification: Likely benign. Last evaluated: 2022-10-10. Review status: criteria provided, single submitter. Criteria: LabCorp Variant Classification Summary - May 2015. Collection method: clinical testing. Allele origin: germline.
Comment: Variant summary: RYR2 c.1119T>C alters a conserved nucleotide resulting in a synonymous change. 4/4 computational tools predict no significant impact on normal splicing. However, these predictions have yet to be confirmed by functional studies. The variant was absent in 246498 control chromosomes. The available data on variant occurrences in the general population are insufficient to allow any conclusion about variant significance. To our knowledge, no occurrence of c.1119T>C in individuals affected with Catecholaminergic Polymorphic Ventricular Tachycardia and no experimental evidence demonstrating its impact on protein function have been reported. No clinical diagnostic laboratories have submitted clinical-significance assessments for this variant to ClinVar after 2014. Based on the evidence outlined above, the variant was classified as likely benign.

NM_001035.3(RYR2):c.1119T>C (p.Thr373=)

Gene: RYR2 (ryanodine receptor 2; plus strand). Cytogenetic location: 1q43.
Variant type: single nucleotide variant.
Coding change: c.1119T>C on transcript NM_001035.3 (MANE Select); coding-DNA position 1119, T replaced by C.
Protein change: p.Thr373=; no amino-acid change (threonine 373 retained).
Molecular consequence: synonymous variant.
Genome position (GRCh38, 1-based): chr1:237,441,432, T>C. VCF-style: chr1-237441432-T-C. GRCh37 (hg19) VCF-style: chr1-237604732-T-C.
Identifiers: ClinVar variation 1723269 (VCV001723269.1), dbSNP rs202231354, ClinGen allele CA39778282.